The following is an entry in ClinVar:

ClinVar aggregate classification (germline): Conflicting classifications of pathogenicity. Review status: criteria provided, conflicting classifications (1 of 4 stars). 3 submissions from 3 submitters: Likely pathogenic (1); Uncertain significance (2). Last evaluated 2025-03-24.

Conditions:
Inborn genetic diseases. Identifiers: MedGen C0950123, MeSH D030342.
Autosomal recessive Alport syndrome (ATS2). Also called: Alport syndrome type 2; COL4A4 Alport Syndrome and Thin Basement Membrane Nephropathy; ALPORT SYNDROME 2, AUTOSOMAL RECESSIVE; COL4A3-Related Nephropathy. Identifiers: Orphanet 63, Orphanet 88919, MedGen C4746745, MONDO:0008762, OMIM 203780.

Allele frequency attached by ClinVar (database versions not stated): TOPMed below 0.00001.

Submissions (3):

Ambry Genetics
Classification: Uncertain significance for Inborn genetic diseases. Last evaluated: 2025-03-24. Review status: criteria provided, single submitter. Criteria: Ambry Variant Classification Scheme 2023. Collection method: clinical testing. Allele origin: germline.

3billion
Classification: Likely pathogenic for Autosomal recessive Alport syndrome. Last evaluated: 2024-11-11. Review status: criteria provided, single submitter. Criteria: ACMG Guidelines, 2015. Collection method: clinical testing. Allele origin: germline. Affected: yes.
Comment: The variant is not observed in the gnomAD v4.1.0 dataset. Predicted Consequence/Location: The variant is located in a mutational hot spot and/or well-established functional domain in which established pathogenic variants have been reported (PMID: 34400539, 33772369). In silico tool predictions suggest damaging effect of the variant on gene or gene product [REVEL: 0.94 (>=0.6, sensitivity 0.68 and specificity 0.92)]. The same nucleotide change resulting in the same amino acid change has been previously reported to be associated with COL4A4 related disorder (PMID: 36646731). Therefore, this variant is classified as Likely pathogenic according to the recommendation of ACMG/AMP guideline.

Labcorp Genetics (formerly Invitae), Labcorp
Classification: Uncertain significance. Last evaluated: 2024-06-25. Review status: criteria provided, single submitter. Criteria: Invitae Variant Classification Sherloc (09022015). Collection method: clinical testing. Allele origin: germline.
Comment: This sequence change replaces glycine, which is neutral and non-polar, with glutamic acid, which is acidic and polar, at codon 602 of the COL4A4 protein (p.Gly602Glu). This variant is not present in population databases (gnomAD no frequency). This missense change has been observed in individual(s) with COL4A4-related conditions (PMID: 36646731). ClinVar contains an entry for this variant (Variation ID: 2097656). An algorithm developed to predict the effect of missense changes on protein structure and function (PolyPhen-2) suggests that this variant is likely to be disruptive. In summary, the available evidence is currently insufficient to determine the role of this variant in disease. Therefore, it has been classified as a Variant of Uncertain Significance.

Literature cited by the submitters: PubMed 36646731 (cited by 3 submitters); PubMed 39540369 (cited by Ambry Genetics).

NM_000092.5(COL4A4):c.1805G>A (p.Gly602Glu)

Gene: COL4A4 (collagen type IV alpha 4 chain; minus strand). Cytogenetic location: 2q36.3.
Variant type: single nucleotide variant.
Coding change: c.1805G>A on transcript NM_000092.5 (MANE Select); coding-DNA position 1805, G replaced by A.
Protein change: p.Gly602Glu; replaces glycine 602 with glutamic acid.
Molecular consequence: missense variant.
Genome position (GRCh38, 1-based): chr2:227,078,076, C>T on the plus strand (G>A on the coding strand, the complement: COL4A4 is on the minus strand). VCF-style: chr2-227078076-C-T. GRCh37 (hg19) VCF-style: chr2-227942792-C-T.
Other names: short protein forms G602E.
Identifiers: ClinVar variation 2097656 (VCV002097656.7), dbSNP rs2059129170, ClinGen allele CA350845645.